The following is an entry in ClinVar:

ClinVar aggregate classification (germline): Uncertain significance (1 of 4 stars; one submission).

Submission:

Women's Health and Genetics/Laboratory Corporation of America, LabCorp
Classification: Uncertain significance. Last evaluated: 2017-04-03. Review status: criteria provided, single submitter. Criteria: LabCorp Variant Classification Summary - May 2015. Collection method: clinical testing. Allele origin: germline.
Comment: Variant summary: The FBN1 c.6085T>A (p.Cys2029Ser) variant involves the alteration of a conserved nucleotide, resulting in a missense substitution. The variant lies within an EGF-like calcium binding domain (InterPro) and 4/4 in silico tools predict a damaging outcome for this variant (SNPs&GO not captured due to low reliability index). This variant is absent in the large control database ExAC (0/121236 control chromosomes). To our knowledge, the variant of interest has not been reported in affected individuals via publications and/or reputable databases/clinical diagnostic laboratories, nor has it been evaluated for functional impact by in vivo/vitro studies. Since the variant lies within a known functional domain, and changes to cysteine residues in these domains is a known mechanism of disease, the variant is classified as a VUS-possibly pathogenic.

NM_000138.5(FBN1):c.6085T>A (p.Cys2029Ser)

Gene: FBN1 (fibrillin 1; minus strand). Cytogenetic location: 15q21.1.
Variant type: single nucleotide variant.
Coding change: c.6085T>A on transcript NM_000138.5 (MANE Select); coding-DNA position 6085, T replaced by A.
Protein change: p.Cys2029Ser; replaces cysteine 2029 with serine.
Molecular consequence: missense variant.
Genome position (GRCh38, 1-based): chr15:48,441,799, A>T on the plus strand (T>A on the coding strand, the complement: FBN1 is on the minus strand). VCF-style: chr15-48441799-A-T. GRCh37 (hg19) VCF-style: chr15-48733996-A-T.
Other names: short protein forms C2029S.
Identifiers: ClinVar variation 495635 (VCV000495635.1), dbSNP rs1555395477, ClinGen allele CA392338411.